The following is an entry in ClinVar:

NM_001130144.3(LTBP3):c.3139C>G (p.Arg1047Gly)

Genes: LTBP3 (latent transforming growth factor beta binding protein 3; minus strand), LOC121832793 (Sharpr-MPRA regulatory region 4001; plus strand). Cytogenetic location: 11q13.1.
Variant type: single nucleotide variant.
Coding change: c.3139C>G on transcript NM_001130144.3 (MANE Select); coding-DNA position 3139, C replaced by G.
Protein change: p.Arg1047Gly; replaces arginine 1047 with glycine.
Molecular consequence: missense variant.
Genome position (GRCh38, 1-based): chr11:65,540,350, G>C on the plus strand (C>G on the coding strand, the complement: LTBP3 is on the minus strand). VCF-style: chr11-65540350-G-C. GRCh37 (hg19) VCF-style: chr11-65307821-G-C.
Other names: c.2788C>G, p.Arg930Gly (NM_001164266.1); c.3139C>G, p.Arg1047Gly (NM_021070.4); short protein forms R1047G, R930G.
Identifiers: ClinVar variation 4101307 (VCV004101307.2).
Genomic context (GRCh38, chr11:65,540,350, plus strand): 5'-CGGCAGGGGGCGTGCAGGCACAGCGGTAGCCGCCGCGCGTGTTCTCACACACTCCGTTCC[G>C]GCAGTTGGACTCGTCCAGGCACTCGTCCACGTCTGCAGGGAGGAAAAGCGTGGGTAGCAG-3'
Protein context (NP_001123616.1, residues 1037-1057): VDECLDESNC[Arg1047Gly]NGVCENTRGG

ClinVar aggregate classification (germline): Uncertain significance. Review status: criteria provided, multiple submitters, no conflicts (2 of 4 stars). 2 submissions from 2 submitters: Uncertain significance (2). Last evaluated 2025-06-23.

Conditions:
Brachyolmia-amelogenesis imperfecta syndrome. Also called: PLATYSPONDYLY WITH AMELOGENESIS IMPERFECTA; Tooth agenesis, selective, 6; Dental anomalies and short stature. Identifiers: Orphanet 2899, MedGen C1832594, MONDO:0011018, OMIM 601216. Disease mechanism: loss of function.
Inborn genetic diseases. Identifiers: MedGen C0950123, MeSH D030342.

Submissions (2):

Ambry Genetics
Classification: Uncertain significance for Inborn genetic diseases. Last evaluated: 2025-06-23. Review status: criteria provided, single submitter. Criteria: Ambry Variant Classification Scheme 2023. Collection method: clinical testing. Allele origin: germline.
Comment: The p.R1047G variant (also known as c.3139C>G), located in coding exon 23 of the LTBP3 gene, results from a C to G substitution at nucleotide position 3139. The arginine at codon 1047 is replaced by glycine, an amino acid with dissimilar properties. This amino acid position is conserved. In addition, the in silico prediction for this alteration is inconclusive. Based on the available evidence, the clinical significance of this variant remains unclear.

Labcorp Genetics (formerly Invitae), Labcorp
Classification: Uncertain significance for Brachyolmia-amelogenesis imperfecta syndrome. Last evaluated: 2025-06-08. Review status: criteria provided, single submitter. Criteria: Invitae Variant Classification Sherloc (09022015). Collection method: clinical testing. Allele origin: germline.
Comment: This sequence change replaces arginine, which is basic and polar, with glycine, which is neutral and non-polar, at codon 1047 of the LTBP3 protein (p.Arg1047Gly). The frequency data for this variant in the population databases is considered unreliable, as metrics indicate poor data quality at this position in the gnomAD database. This variant has not been reported in the literature in individuals affected with LTBP3-related conditions. An algorithm developed to predict the effect of missense changes on protein structure and function (PolyPhen-2) suggests that this variant is likely to be disruptive. In summary, the available evidence is currently insufficient to determine the role of this variant in disease. Therefore, it has been classified as a Variant of Uncertain Significance.